The following is an entry in ClinVar:

NM_000475.5(NR0B1):c.1410A>G (p.Ile470Met)

Gene: NR0B1 (nuclear receptor subfamily 0 group B member 1; minus strand). Cytogenetic location: Xp21.2.
Variant type: single nucleotide variant.
Coding change: c.1410A>G on transcript NM_000475.5 (MANE Select); coding-DNA position 1410, A replaced by G.
Protein change: p.Ile470Met; replaces isoleucine 470 with methionine.
Molecular consequence: missense variant.
Genome position (GRCh38, 1-based): chrX:30,304,582, T>C on the plus strand (A>G on the coding strand, the complement: NR0B1 is on the minus strand). VCF-style: chrX-30304582-T-C. GRCh37 (hg19) VCF-style: chrX-30322699-T-C.
Other names: short protein forms I470M.
Identifiers: ClinVar variation 1205002 (VCV001205002.16), dbSNP rs151317312, ClinGen allele CA10376254.
Genomic context (GRCh38, chrX:30,304,582, plus strand): 5'-TCTTTATTCTTCCCTCATGGTGAACTGCACTACTGCACTTGTGTGGCCCACATGACTTTA[T>C]ATCTTTGTACAGAGCATTTCCAGCATCATATCATCCATGCTGACTGTGCCGATGATGGGC-3'
Protein context (NP_000466.2, residues 460-470): DMMLEMLCTK[Ile470Met]

ClinVar aggregate classification (germline): Benign/Likely benign. Review status: criteria provided, multiple submitters, no conflicts (2 of 4 stars). 6 submissions from 6 submitters: Benign (3); Likely benign (2). 1 of the submissions does not count toward it. Last evaluated 2026-02-04.

Conditions:
NR0B1-related disorder.
Congenital adrenal hypoplasia, X-linked (AHC). Also called: Isolated X-Linked Adrenal Hypoplasia Congenita; X-linked AHC; X-Linked Adrenal Hypoplasia Congenita; ADRENAL HYPOPLASIA, CONGENITAL, WITH HYPOGONADOTROPIC HYPOGONADISM. Identifiers: Orphanet 95702, MedGen C0342482, MONDO:0010264, OMIM 300200. Disease mechanism: loss of function.
46,XY sex reversal 2. Also called: NR0B1-Related 46,XY CGD; NR0B1-related 46,XY complete gonadal dysgenesis; Dosage-sensitive sex reversal; 46XY sex reversal 2, dosage-sensitive; 46,XY SEX REVERSAL, DAX1-RELATED. Identifiers: MedGen C1848296, MONDO:0010226, OMIM 300018.

Allele frequency attached by ClinVar (database versions not stated): 1000 Genomes Project 30x 0.00021; 1000 Genomes Project 0.00026; TOPMed 0.00041; gnomAD exomes 0.00056 and 0.00096; ESP Exome Variant Server 0.00076; ExAC 0.00081; gnomAD 0.00083 and 0.00084.

Submissions (6):

Labcorp Genetics (formerly Invitae), Labcorp
Classification: Benign for Congenital adrenal hypoplasia, X-linked; 46,XY sex reversal 2. Last evaluated: 2026-02-04. Review status: criteria provided, single submitter. Criteria: Invitae Variant Classification Sherloc (09022015). Collection method: clinical testing. Allele origin: germline.

Laboratory of Genetics, Children's Clinical University Hospital Latvia
Classification: Benign. Last evaluated: 2025-02-16. Review status: criteria provided, single submitter. Criteria: ACMG Guidelines, 2015. Collection method: clinical testing. Allele origin: germline. Affected: yes.

Blueprint Genetics
Classification: Benign. Last evaluated: 2024-11-22. Review status: criteria provided, single submitter. Criteria: ACMG Guidelines, 2015. Collection method: clinical testing. Allele origin: germline.

Fulgent Genetics
Classification: Likely benign for 46,XY sex reversal 2; Congenital adrenal hypoplasia, X-linked. Last evaluated: 2021-08-15. Review status: criteria provided, single submitter. Criteria: ACMG Guidelines, 2015. Collection method: clinical testing. Allele origin: unknown.

GeneDx
Classification: Likely benign. Last evaluated: 2019-11-11. Review status: criteria provided, single submitter. Criteria: GeneDx Variant Classification Process June 2021. Collection method: clinical testing. Allele origin: germline. Affected: yes.
Comment: In silico analysis, which includes protein predictors and evolutionary conservation, supports that this variant does not alter protein structure/function; Has not been previously published as pathogenic or benign to our knowledge; In-silico analysis, which includes splice predictors and evolutionary conservation, is inconclusive as to whether the variant alters gene splicing. In the absence of RNA/functional studies, the actual effect of this sequence change is unknown.

PreventionGenetics, part of Exact Sciences
Classification: Benign for NR0B1-related condition. Last evaluated: 2020-01-02. Review status: no assertion criteria provided. Collection method: clinical testing. Allele origin: germline. Not counted in ClinVar's aggregate classification.
Comment: This variant is classified as benign based on ACMG/AMP sequence variant interpretation guidelines (Richards et al. 2015 PMID: 25741868, with internal and published modifications).